The following is an entry in ClinVar:

ClinVar aggregate classification (germline): Uncertain significance (1 of 4 stars; one submission).

Submission:

Labcorp Genetics (formerly Invitae), Labcorp
Classification: Uncertain significance. Last evaluated: 2022-02-25. Review status: criteria provided, single submitter. Criteria: Invitae Variant Classification Sherloc (09022015). Collection method: clinical testing. Allele origin: germline.
Comment: In summary, the available evidence is currently insufficient to determine the role of this variant in disease. Therefore, it has been classified as a Variant of Uncertain Significance. Algorithms developed to predict the effect of missense changes on protein structure and function output the following: SIFT: "Deleterious"; PolyPhen-2: "Benign"; Align-GVGD: "Class C0". The lysine amino acid residue is found in multiple mammalian species, which suggests that this missense change does not adversely affect protein function. This variant has not been reported in the literature in individuals affected with MTPAP-related conditions. This variant is not present in population databases (gnomAD no frequency). This sequence change replaces glutamic acid, which is acidic and polar, with lysine, which is basic and polar, at codon 512 of the MTPAP protein (p.Glu512Lys).

NM_018109.4(MTPAP):c.1534G>A (p.Glu512Lys)

Gene: MTPAP (mitochondrial poly(A) polymerase; minus strand). Cytogenetic location: 10p11.23.
Variant type: single nucleotide variant.
Coding change: c.1534G>A on transcript NM_018109.4 (MANE Select); coding-DNA position 1534, G replaced by A.
Protein change: p.Glu512Lys; replaces glutamic acid 512 with lysine.
Molecular consequence: missense variant.
Genome position (GRCh38, 1-based): chr10:30,313,824, C>T on the plus strand (G>A on the coding strand, the complement: MTPAP is on the minus strand). VCF-style: chr10-30313824-C-T. GRCh37 (hg19) VCF-style: chr10-30602753-C-T.
Other names: short protein forms E512K.
Identifiers: ClinVar variation 2103493 (VCV002103493.4), dbSNP rs2538445554, ClinGen allele CA376434558.